The following is an entry in ClinVar:

NM_000090.4(COL3A1):c.1976C>T (p.Pro659Leu)

Gene: COL3A1 (collagen type III alpha 1 chain; plus strand). Cytogenetic location: 2q32.2.
Variant type: single nucleotide variant.
Coding change: c.1976C>T on transcript NM_000090.4 (MANE Select); coding-DNA position 1976, C replaced by T.
Protein change: p.Pro659Leu; replaces proline 659 with leucine.
Molecular consequence: missense variant.
Genome position (GRCh38, 1-based): chr2:188,998,318, C>T. VCF-style: chr2-188998318-C-T. GRCh37 (hg19) VCF-style: chr2-189863044-C-T.
Other names: short protein forms P659L.
Identifiers: ClinVar variation 923218 (VCV000923218.21), dbSNP rs756822808, ClinGen allele CA074845.

ClinVar aggregate classification (germline): Uncertain significance. Review status: criteria provided, multiple submitters, no conflicts (2 of 4 stars). 6 submissions from 6 submitters: Uncertain significance (6). Last evaluated 2026-08-01.

Conditions:
Ehlers-Danlos syndrome, type 4 (EDSVASC). Also called: Ehlers-Danlos Syndrome Type IV; Ehlers-Danlos syndrome vascular type; Ehlers Danlos syndrome, ecchymotic type; Ehlers Danlos syndrome, arterial type; Ehlers Danlos syndrome, Sack-Barabas type. Identifiers: Orphanet 286, MedGen C0268338, MONDO:0017314, OMIM 130050.
Familial thoracic aortic aneurysm and aortic dissection (TAAD). Also called: Thoracic aortic aneurysms and dissections. Identifiers: Orphanet 91387, MedGen C4707243, MONDO:0019625.

Allele frequency attached by ClinVar (database versions not stated): ExAC 0.00001; gnomAD exomes 0.00001; TOPMed 0.00003.

Submissions (6):

CeGaT Center for Human Genetics Tuebingen
Classification: Uncertain significance. Last evaluated: 2026-08-01. Review status: criteria provided, single submitter. Criteria: CeGaT Center For Human Genetics Tuebingen Variant Classification Criteria Version 2. Collection method: clinical testing. Allele origin: germline. Affected: yes. Observed: 1 variant allele.
Comment: COL3A1: PM2

Ambry Genetics
Classification: Uncertain significance for Familial thoracic aortic aneurysm and aortic dissection. Last evaluated: 2026-03-30. Review status: criteria provided, single submitter. Criteria: Ambry Variant Classification Scheme 2023. Collection method: clinical testing. Allele origin: germline.
Comment: The p.P659L variant (also known as c.1976C>T), located in coding exon 28 of the COL3A1 gene, results from a C to T substitution at nucleotide position 1976. The proline at codon 659 is replaced by leucine, an amino acid with similar properties. This variant has been detected in an individual from a vascular anomalies cohort; however, clinical details were not provided (Mattassi R et al. J Vasc Surg, 2018 Mar;67:922-932.e11). This amino acid position is not well conserved in available vertebrate species. In addition, the in silico prediction for this alteration is inconclusive. Based on the available evidence, the clinical significance of this variant remains unclear.

Labcorp Genetics (formerly Invitae), Labcorp
Classification: Uncertain significance for Ehlers-Danlos syndrome, type 4. Last evaluated: 2025-12-29. Review status: criteria provided, single submitter. Criteria: Invitae Variant Classification Sherloc (09022015). Collection method: clinical testing. Allele origin: germline.
Comment: This sequence change replaces proline, which is neutral and non-polar, with leucine, which is neutral and non-polar, at codon 659 of the COL3A1 protein (p.Pro659Leu). This variant is present in population databases (rs756822808, gnomAD 0.003%). This missense change has been observed in individual(s) with a vascular anomaly (PMID: 28655553). ClinVar contains an entry for this variant (Variation ID: 923218). Experimental studies and prediction algorithms are not available or were not evaluated, and the functional significance of this variant is currently unknown. In summary, the available evidence is currently insufficient to determine the role of this variant in disease. Therefore, it has been classified as a Variant of Uncertain Significance.

All of Us Research Program, National Institutes of Health
Classification: Uncertain significance for Ehlers-Danlos syndrome, type 4. Last evaluated: 2024-10-01. Review status: criteria provided, single submitter. Criteria: ACMG Guidelines, 2015. Collection method: clinical testing. Allele origin: germline. Inheritance: Autosomal dominant inheritance. Observed: 8 variant alleles, 8 heterozygotes.
Comment: This missense variant replaces proline with leucine at codon 659 of the COL3A1 protein. Computational prediction suggests that this variant may not impact protein structure and function (internally defined REVEL score threshold <= 0.5, PMID: 27666373). To our knowledge, functional studies have not been reported for this variant. This variant has been reported in an individual affected with vascular anomalies (PMID: 28655553). This variant has been identified in 3/250432 chromosomes in the general population by the Genome Aggregation Database (gnomAD). The available evidence is insufficient to determine the role of this variant in disease conclusively. Therefore, this variant is classified as a Variant of Uncertain Significance.

This study involves interpretation of variants in research participants for the purpose of population health screening. Participant phenotype was not available at the time of variant classification. Additional details can be found in publication PMID: 35346344, PMCID: PMC8962531

Color Diagnostics, LLC DBA Color Health
Classification: Uncertain significance for Familial thoracic aortic aneurysm and aortic dissection. Last evaluated: 2024-02-07. Review status: criteria provided, single submitter. Criteria: ACMG Guidelines, 2015. Collection method: clinical testing. Allele origin: germline.
Comment: This missense variant replaces proline with leucine at codon 659 of the COL3A1 protein. Computational prediction suggests that this variant may not impact protein structure and function (internally defined REVEL score threshold <= 0.5, PMID: 27666373). To our knowledge, functional studies have not been reported for this variant. This variant has been reported in an individual affected with vascular anomalies (PMID: 28655553). This variant has been identified in 3/250432 chromosomes in the general population by the Genome Aggregation Database (gnomAD). The available evidence is insufficient to determine the role of this variant in disease conclusively. Therefore, this variant is classified as a Variant of Uncertain Significance.

GeneDx
Classification: Uncertain significance. Last evaluated: 2023-08-17. Review status: criteria provided, single submitter. Criteria: GeneDx Variant Classification Process June 2021. Collection method: clinical testing. Allele origin: germline. Affected: yes.
Comment: Identified in a patient with vascular anomalies in the published literature (Mattassi et al., 2018); Not observed at significant frequency in large population cohorts (gnomAD); Occurs in the triple helical domain at the Y position in the canonical Gly-X-Y repeat. Although this variant may have an effect on normal protein folding and function, missense substitution at the Y position is not a common mechanism of disease (HGMD); In silico analysis supports that this missense variant has a deleterious effect on protein structure/function; This variant is associated with the following publications: (PMID: 28655553)

Literature cited by the submitters: PubMed 28655553 (cited by 4 submitters).